The following is an entry in ClinVar:

NM_006623.4(PHGDH):c.1514C>T (p.Thr505Ile)

Gene: PHGDH (phosphoglycerate dehydrogenase; plus strand). Cytogenetic location: 1p12.
Variant type: single nucleotide variant.
Coding change: c.1514C>T on transcript NM_006623.4 (MANE Select); coding-DNA position 1514, C replaced by T.
Protein change: p.Thr505Ile; replaces threonine 505 with isoleucine.
Molecular consequence: missense variant.
Genome position (GRCh38, 1-based): chr1:119,743,952, C>T. VCF-style: chr1-119743952-C-T. GRCh37 (hg19) VCF-style: chr1-120286575-C-T.
Other names: short protein forms T505I.
Identifiers: ClinVar variation 2201241 (VCV002201241.1), dbSNP rs369871823, ClinGen allele CA1037478.

ClinVar aggregate classification (germline): Uncertain significance (1 of 4 stars; one submission).

Conditions:
PHGDH deficiency. Identifiers: Orphanet 79351, MedGen C1866174, MONDO:0011152, OMIM 601815.

Allele frequency attached by ClinVar (database versions not stated): ExAC 0.00001; gnomAD 0.00001; TOPMed 0.00001; gnomAD exomes 0.00002.
gnomAD v4.1: 33 of 1,613,294 alleles (0.002%); highest among the groups gnomAD compares: Non-Finnish European, 0.0027%; no homozygotes.

Submission:

Labcorp Genetics (formerly Invitae), Labcorp
Classification: Uncertain significance for PHGDH deficiency. Last evaluated: 2022-04-23. Review status: criteria provided, single submitter. Criteria: Invitae Variant Classification Sherloc (09022015). Collection method: clinical testing. Allele origin: germline.
Comment: This sequence change replaces threonine, which is neutral and polar, with isoleucine, which is neutral and non-polar, at codon 505 of the PHGDH protein (p.Thr505Ile). This variant is present in population databases (rs369871823, gnomAD 0.004%). This variant has not been reported in the literature in individuals affected with PHGDH-related conditions. Algorithms developed to predict the effect of missense changes on protein structure and function (SIFT, PolyPhen-2, Align-GVGD) all suggest that this variant is likely to be tolerated. In summary, the available evidence is currently insufficient to determine the role of this variant in disease. Therefore, it has been classified as a Variant of Uncertain Significance.